The following is an entry in ClinVar:

ClinVar aggregate classification (germline): Uncertain significance. Review status: criteria provided, multiple submitters, no conflicts (2 of 4 stars). 2 submissions from 2 submitters: Uncertain significance (2). Last evaluated 2024-05-06.

Conditions:
Hereditary cancer-predisposing syndrome. Also called: Neoplastic Syndromes, Hereditary; Tumor predisposition; Hereditary neoplastic syndrome; Hereditary Cancer Syndrome. Identifiers: Orphanet 140162, MedGen C0027672, MeSH D009386, MONDO:0015356.

Allele frequency attached by ClinVar (database versions not stated): gnomAD exomes below 0.00001; TOPMed below 0.00001; ExAC 0.00001; gnomAD 0.00001.
gnomAD v4.1: 1 of 1,613,968 alleles (0.000062%); highest among the groups gnomAD compares: Non-Finnish European, 0.000085%; no homozygotes.

Submissions (2):

Ambry Genetics
Classification: Uncertain significance for Hereditary cancer-predisposing syndrome. Last evaluated: 2024-05-06. Review status: criteria provided, single submitter. Criteria: Ambry Variant Classification Scheme 2023. Collection method: clinical testing. Allele origin: germline.
Comment: The p.T671I variant (also known as c.2012C>T), located in coding exon 13 of the RAD50 gene, results from a C to T substitution at nucleotide position 2012. The threonine at codon 671 is replaced by isoleucine, an amino acid with similar properties. This amino acid position is not well conserved in available vertebrate species. In addition, this alteration is predicted to be tolerated by in silico analysis. Since supporting evidence is limited at this time, the clinical significance of this alteration remains unclear.

Labcorp Genetics (formerly Invitae), Labcorp
Classification: Uncertain significance for Hereditary cancer-predisposing syndrome. Last evaluated: 2023-09-21. Review status: criteria provided, single submitter. Criteria: Invitae Variant Classification Sherloc (09022015). Collection method: clinical testing. Allele origin: germline.
Comment: In summary, the available evidence is currently insufficient to determine the role of this variant in disease. Therefore, it has been classified as a Variant of Uncertain Significance. Advanced modeling of protein sequence and biophysical properties (such as structural, functional, and spatial information, amino acid conservation, physicochemical variation, residue mobility, and thermodynamic stability) performed at Invitae indicates that this missense variant is not expected to disrupt RAD50 protein function. ClinVar contains an entry for this variant (Variation ID: 580212). This variant has not been reported in the literature in individuals affected with RAD50-related conditions. This variant is present in population databases (rs769496983, gnomAD 0.007%). This sequence change replaces threonine, which is neutral and polar, with isoleucine, which is neutral and non-polar, at codon 671 of the RAD50 protein (p.Thr671Ile).

NM_005732.4(RAD50):c.2012C>T (p.Thr671Ile)

Gene: RAD50 (RAD50 double strand break repair protein; plus strand). Cytogenetic location: 5q31.1.
Variant type: single nucleotide variant.
Coding change: c.2012C>T on transcript NM_005732.4 (MANE Select); coding-DNA position 2012, C replaced by T.
Protein change: p.Thr671Ile; replaces threonine 671 with isoleucine.
Molecular consequence: missense variant.
Genome position (GRCh38, 1-based): chr5:132,595,615, C>T. VCF-style: chr5-132595615-C-T. GRCh37 (hg19) VCF-style: chr5-131931307-C-T.
Other names: short protein forms T671I.
Identifiers: ClinVar variation 580212 (VCV000580212.17), dbSNP rs769496983, ClinGen allele CA3405317.